The following is an entry in ClinVar:

ClinVar aggregate classification (germline): Likely pathogenic (1 of 4 stars; one submission).

Conditions:
Sandhoff disease. Also called: GM2-GANGLIOSIDOSIS, TYPE II; HEXOSAMINIDASES A AND B DEFICIENCY; Beta-hexosaminidase-beta-subunit deficiency; GM2 gangliosidosis, type 2; Total hexosaminidase deficiency; Sandhoff-Jatzkewitz-Pilz disease. Identifiers: Orphanet 796, MedGen C0036161, MONDO:0010006, OMIM 268800.

Submission:

Myriad Genetics, Inc.
Classification: Likely pathogenic for Sandhoff disease. Last evaluated: 2022-02-25. Review status: criteria provided, single submitter. Criteria: Myriad Women's Health Autosomal Recessive and X-Linked Classification Criteria (2021). Collection method: clinical testing. Allele origin: unknown.
Comment: NM_000521.3(HEXB):c.1240A>T(K414*) is expected to be pathogenic in the context of Sandhoff disease. This variant is predicted to lead to an abnormal or absent protein product due to the creation of a premature termination codon in HEXB, a gene where loss-of-function variants are known to be pathogenic. Please note: this variant was assessed in the context of healthy population screening.

NM_000521.4(HEXB):c.1240A>T (p.Lys414Ter)

Gene: HEXB (hexosaminidase subunit beta; plus strand). Cytogenetic location: 5q13.3.
Variant type: single nucleotide variant.
Coding change: c.1240A>T on transcript NM_000521.4 (MANE Select); coding-DNA position 1240, A replaced by T.
Protein change: p.Lys414Ter; replaces lysine 414 with a stop codon.
Molecular consequence: nonsense.
Genome position (GRCh38, 1-based): chr5:74,718,361, A>T. VCF-style: chr5-74718361-A-T. GRCh37 (hg19) VCF-style: chr5-74014186-A-T.
Other names: c.565A>T, p.Lys189Ter (NM_001292004.2); short protein forms K189*, K414*.
Identifiers: ClinVar variation 1724694 (VCV001724694.2), dbSNP rs2478764227, ClinGen allele CA360069512.